The following is an entry in ClinVar:

NM_022089.4(ATP13A2):c.1306G>A (p.Ala436Thr)

Gene: ATP13A2 (ATPase cation transporting 13A2; minus strand). Cytogenetic location: 1p36.13.
Variant type: single nucleotide variant.
Coding change: c.1306G>A on transcript NM_022089.4 (MANE Select); coding-DNA position 1306, G replaced by A.
Protein change: p.Ala436Thr; replaces alanine 436 with threonine.
Molecular consequence: missense variant.
Genome position (GRCh38, 1-based): chr1:16,996,386, C>T on the plus strand (G>A on the coding strand, the complement: ATP13A2 is on the minus strand). VCF-style: chr1-16996386-C-T. GRCh37 (hg19) VCF-style: chr1-17322881-C-T.
Other names: c.1291G>A, p.Ala431Thr (NM_001141973.3, NM_001141974.3); short protein forms A431T, A436T.
Identifiers: ClinVar variation 954358 (VCV000954358.7), dbSNP rs1439546959, ClinGen allele CA338254179.

ClinVar aggregate classification (germline): Uncertain significance (1 of 4 stars; one submission).

Conditions:
Autosomal recessive spastic paraplegia type 78. Identifiers: Orphanet 513436, MedGen C5567893, MONDO:0014975, OMIM 617225.
Kufor-Rakeb syndrome (KRS). Also called: PARKINSON DISEASE 9, AUTOSOMAL RECESSIVE, JUVENILE-ONSET. Identifiers: Orphanet 306674, Orphanet 314632, MedGen C1847640, MONDO:0011706, OMIM 606693.

Allele frequency attached by ClinVar (database versions not stated): TOPMed below 0.00001.

Submission:

Labcorp Genetics (formerly Invitae), Labcorp
Classification: Uncertain significance for Kufor-Rakeb syndrome; Autosomal recessive spastic paraplegia type 78. Last evaluated: 2019-11-12. Review status: criteria provided, single submitter. Criteria: Invitae Variant Classification Sherloc (09022015). Collection method: clinical testing. Allele origin: germline.
Comment: In summary, the available evidence is currently insufficient to determine the role of this variant in disease. Therefore, it has been classified as a Variant of Uncertain Significance. This sequence change replaces alanine with threonine at codon 436 of the ATP13A2 protein (p.Ala436Thr). The alanine residue is highly conserved and there is a small physicochemical difference between alanine and threonine. This variant also falls at the last nucleotide of exon 13 of the ATP13A2 coding sequence, which is part of the consensus splice site for this exon. This variant is not present in population databases (ExAC no frequency). This variant has not been reported in the literature in individuals with ATP13A2-related conditions. Algorithms developed to predict the effect of missense changes on protein structure and function are either unavailable or do not agree on the potential impact of this missense change (SIFT: "Deleterious"; PolyPhen-2: "Possibly Damaging"; Align-GVGD: "Class C0"). Nucleotide substitutions within the consensus splice site are a relatively common cause of aberrant splicing (PMID: 17576681, 9536098). Algorithms developed to predict the effect of sequence changes on RNA splicing suggest that this variant may disrupt the consensus splice site, but this prediction has not been confirmed by published transcriptional studies.

Literature cited by the submitters: PubMed 17576681; PubMed 9536098.